The following is an entry in ClinVar:

ClinVar aggregate classification (germline): Uncertain significance (1 of 4 stars; one submission).

Conditions:
Dilated cardiomyopathy 1G (CMD1G). Identifiers: Orphanet 154, MedGen C1858763, MONDO:0011400, OMIM 604145.
Autosomal recessive limb-girdle muscular dystrophy type 2J (LGMDR10). Also called: MUSCULAR DYSTROPHY, LIMB-GIRDLE, AUTOSOMAL RECESSIVE 10; Limb-girdle muscular dystrophy, type 2J. Identifiers: Orphanet 140922, MedGen C1837342, MONDO:0012127, OMIM 608807.

Allele frequency attached by ClinVar (database versions not stated): TOPMed below 0.00001; gnomAD exomes 0.00001.
gnomAD v4.1: 19 of 1,609,832 alleles (0.0012%); highest among the groups gnomAD compares: Non-Finnish European, 0.0016%; no homozygotes.

Submission:

Labcorp Genetics (formerly Invitae), Labcorp
Classification: Uncertain significance for Dilated cardiomyopathy 1G; Autosomal recessive limb-girdle muscular dystrophy type 2J. Last evaluated: 2024-01-31. Review status: criteria provided, single submitter. Criteria: Invitae Variant Classification Sherloc (09022015). Collection method: clinical testing. Allele origin: germline.
Comment: This sequence change falls in intron 109 of the TTN gene. It does not directly change the encoded amino acid sequence of the TTN protein. It affects a nucleotide within the consensus splice site. This variant is not present in population databases (gnomAD no frequency). This variant has not been reported in the literature in individuals affected with TTN-related conditions. Variants that disrupt the consensus splice site are a relatively common cause of aberrant splicing (PMID: 17576681, 9536098). Algorithms developed to predict the effect of sequence changes on RNA splicing suggest that this variant may disrupt the consensus splice site. This variant is located in the I band of TTN (PMID: 25589632). Non-truncating variants in this region may be clinically relevant, but have not been definitively shown to cause cardiomyopathy or neuromuscular disease (PMID: 27493940, 32778822). In summary, the available evidence is currently insufficient to determine the role of this variant in disease. Therefore, it has been classified as a Variant of Uncertain Significance.

Literature cited by the submitters: PubMed 17576681; PubMed 9536098; PubMed 25589632; PubMed 27493940; PubMed 32778822.

NM_001267550.2(TTN):c.30538+5G>A

Gene: TTN (titin; minus strand). Cytogenetic location: 2q31.2.
Variant type: single nucleotide variant.
Coding change: c.30538+5G>A on transcript NM_001267550.2 (MANE Select); 5 bases into the intron after coding-DNA position 30538, G replaced by A.
Molecular consequence: intron variant.
Genome position (GRCh38, 1-based): chr2:178,702,035, C>T on the plus strand (G>A on the coding strand, the complement: TTN is on the minus strand). VCF-style: chr2-178702035-C-T. GRCh37 (hg19) VCF-style: chr2-179566762-C-T.
Other names: c.13282+36047G>A (NM_003319.4); c.13858+36047G>A (NM_133437.4); c.13657+36047G>A (NM_133432.3); c.26806+5G>A (NM_133378.4); c.29587+5G>A (NM_001256850.1).
Identifiers: ClinVar variation 2943443 (VCV002943443.1), dbSNP rs2075092408, ClinGen allele CA1310585612.
Genomic context (GRCh38, chr2:178,702,035, plus strand): 5'-CTGTGATTTACAAAATTATGCCAAATTTATTGTAAGCAAGGATTGATTTTTACAAAACAA[C>T]TTACCAGGAGGCTTCAGCTCAAGTTTGATTTCTGCAAAATAAAAAAAAAATGATATTTTT-3'